The following is an entry in ClinVar:

NM_017950.4(CCDC40):c.1552G>T (p.Glu518Ter)

Gene: CCDC40 (coiled-coil domain 40 molecular ruler complex subunit; plus strand). Cytogenetic location: 17q25.3.
Variant type: single nucleotide variant.
Coding change: c.1552G>T on transcript NM_017950.4 (MANE Select); coding-DNA position 1552, G replaced by T.
Protein change: p.Glu518Ter; replaces glutamic acid 518 with a stop codon.
Molecular consequence: nonsense.
Genome position (GRCh38, 1-based): chr17:80,065,596, G>T. VCF-style: chr17-80065596-G-T. GRCh37 (hg19) VCF-style: chr17-78039395-G-T.
Other names: c.1552G>T, p.Glu518Ter (NM_001243342.2, NM_001330508.2); short protein forms E518*.
Identifiers: ClinVar variation 4737681 (VCV004737681.1).

ClinVar aggregate classification (germline): Pathogenic (1 of 4 stars; one submission).

Conditions:
Primary ciliary dyskinesia. Also called: Ciliary dyskinesia. Identifiers: Orphanet 244, MedGen C0008780, MONDO:0016575, HP:0012265.

Submission:

Labcorp Genetics (formerly Invitae), Labcorp
Classification: Pathogenic for Primary ciliary dyskinesia. Last evaluated: 2025-04-11. Review status: criteria provided, single submitter. Criteria: Invitae Variant Classification Sherloc (09022015). Collection method: clinical testing. Allele origin: germline.
Comment: This sequence change creates a premature translational stop signal (p.Glu518*) in the CCDC40 gene. It is expected to result in an absent or disrupted protein product. Loss-of-function variants in CCDC40 are known to be pathogenic (PMID: 21131974, 22693285, 23255504). This variant is not present in population databases (gnomAD no frequency). This variant has not been reported in the literature in individuals affected with CCDC40-related conditions. For these reasons, this variant has been classified as Pathogenic.

Literature cited by the submitters: PubMed 21131974; PubMed 22693285; PubMed 23255504.